The following is an entry in ClinVar:

NM_174936.4(PCSK9):c.-10C>T

Gene: PCSK9 (proprotein convertase subtilisin/kexin type 9; plus strand). Cytogenetic location: 1p32.3.
Variant type: single nucleotide variant.
Coding change: c.-10C>T on transcript NM_174936.4 (MANE Select); 10 bases upstream of the start codon, C replaced by T.
Molecular consequence: 5 prime UTR variant. On other transcripts: non-coding transcript variant (8).
Genome position (GRCh38, 1-based): chr1:55,039,828, C>T. VCF-style: chr1-55039828-C-T. GRCh37 (hg19) VCF-style: chr1-55505501-C-T.
Other names: c.-10C>T (NM_001407240.1, NM_001407241.1, NM_001407242.1 and 4 more transcripts); c.-744C>T (NM_001407246.1).
Identifiers: ClinVar variation 3070727 (VCV003070727.1), dbSNP rs1341655436, ClinGen allele CA523275405.
Genomic context (GRCh38, chr1:55,039,828, plus strand): 5'-CGCCGCCGGCGTGGACCGCGCACGGCCTCTAGGTCTCCTCGCCAGGACAGCAACCTCTCC[C>T]CTGGCCCTCATGGGCACCGTCAGCTCCAGGCGGTCCTGGTGGCCGCTGCCACTGCTGCTG-3'

ClinVar aggregate classification (germline): Uncertain significance (1 of 4 stars; one submission).

Conditions:
Hypercholesterolemia, autosomal dominant, 3 (FHCL3). Also called: Familial Hypercholesterolemia, Autosomal Dominant, 3; PCSK9-Related Familial Hypercholesterolemia, Autosomal Dominant; Familial hypercholesterolemia 3. Identifiers: MedGen C1863551, MONDO:0011369, OMIM 603776.

Allele frequency attached by ClinVar (database versions not stated): gnomAD 0.00001; gnomAD exomes 0.00001; TOPMed below 0.00001.
gnomAD v4.1: 14 of 1,567,332 alleles (0.00089%); highest among the groups gnomAD compares: Non-Finnish European, 0.0011%; no homozygotes.

Submission:

All of Us Research Program, National Institutes of Health
Classification: Uncertain significance for Hypercholesterolemia, autosomal dominant, 3. Last evaluated: 2023-05-04. Review status: criteria provided, single submitter. Criteria: ACMG Guidelines, 2015. Collection method: clinical testing. Allele origin: germline. Inheritance: Autosomal dominant inheritance. Observed: 1 variant allele, 1 heterozygote.
Comment: This variant is located in the 5' untranslated region of the PCSK9 gene. To our knowledge, functional studies have not been reported for this variant. This variant has not been reported in individuals affected with PCSK9-related disorders in the literature. This variant has been identified in 2/174850 chromosomes in the general population by the Genome Aggregation Database (gnomAD). The available evidence is insufficient to determine the role of this variant in disease conclusively. Therefore, this variant is classified as a Variant of Uncertain Significance.

This study involves interpretation of variants in research participants for the purpose of population health screening. Participant phenotype was not available at the time of variant classification. Additional details can be found in publication PMID: 35346344, PMCID: PMC8962531